The following is an entry in ClinVar:

NM_001567.4(INPPL1):c.1933A>T (p.Lys645Ter)

Gene: INPPL1 (inositol polyphosphate phosphatase like 1; plus strand). Cytogenetic location: 11q13.4.
Variant type: single nucleotide variant.
Coding change: c.1933A>T on transcript NM_001567.4 (MANE Select); coding-DNA position 1933, A replaced by T.
Protein change: p.Lys645Ter; replaces lysine 645 with a stop codon.
Molecular consequence: nonsense.
Genome position (GRCh38, 1-based): chr11:72,232,956, A>T. VCF-style: chr11-72232956-A-T. GRCh37 (hg19) VCF-style: chr11-71944000-A-T.
Other names: c.1999A>T, p.Lys667Ter (NM_001440434.1); c.1933A>T, p.Lys645Ter (NM_001440435.1, NM_001440436.1, NM_001440438.1); c.1792A>T, p.Lys598Ter (NM_001440437.1); short protein forms K598*, K645*, K667*.
Identifiers: ClinVar variation 4819360 (VCV004819360.1).
Genomic context (GRCh38, chr11:72,232,956, plus strand): 5'-AGGAAAGAGTTTGAGCCCCTCCTCAGGGTGGACCAGCTCAACCTGGAGCGGGAGAAGCAC[A>T]AGGTCTTCCTTCGATTCAGTGAGTGTGGGCCTGGTAGGTGGTGATCTGAGGGCTAGGAGA-3'

ClinVar aggregate classification (germline): Likely pathogenic (1 of 4 stars; one submission).

Conditions:
Opsismodysplasia (OPSMD). Also called: INPPL1-Related Opsismodysplasia. Identifiers: Orphanet 2746, MedGen C0432219, MONDO:0009785, OMIM 258480.

Submission:

Clinical Biomedical Laboratory, Shriners Hospital For Children - Canada
Classification: Likely pathogenic for Opsismodysplasia. Review status: criteria provided, single submitter. Criteria: ACMG Guidelines, 2015. Collection method: clinical testing. Allele origin: germline. Affected: yes.
Comment: This variant is predicted to substitute a lysine residue by a stop codon. This is expected to lead to degradation of the affected transcript and loss of function of the affected allele. Loss of function variants in INPPL1 are associated with opsismodysplasia, which has significant overlap with the phenotype of the proband. This variant is absent from the Genome Aggregation Database (v2.1.1.), indicating it is very rare.Based on the ACMG variant interpretation guidelines (criteria: PVS1, PM2), the available evidence supports classification of this variant as likely pathogenic.